The following is an entry in ClinVar:

NC_000009.11:g.(?_140646763)_(140881326_?)del

Genes: CACNA1B (calcium voltage-gated channel subunit alpha1 B; plus strand), EHMT1 (euchromatic histone lysine methyltransferase 1; plus strand), LOC651337 (uncharacterized LOC651337; minus strand). Cytogenetic location: 9q34.3.
Variant type: Deletion.
Identifiers: ClinVar variation 2423354 (VCV002423354.4).

ClinVar aggregate classification (germline): Pathogenic. Review status: criteria provided, single submitter (1 of 4 stars). 2 submissions from 1 submitter: Pathogenic (1). 1 of the submissions does not count toward it. Last evaluated 2022-06-28.

Conditions:
Kleefstra syndrome 1 (KLEFS1). Identifiers: Orphanet 261494, MedGen C0795833, MONDO:0027407, OMIM 610253.

Submissions (2):

Labcorp Genetics (formerly Invitae), Labcorp
Classification: Pathogenic for Kleefstra syndrome 1. Last evaluated: 2022-06-28. Review status: criteria provided, single submitter. Criteria: Invitae Variant Classification Sherloc (09022015). Collection method: clinical testing. Allele origin: germline.
Comment: This variant is a gross deletion of the genomic region encompassing exon(s) 7-27 of the EHMT1 gene, which includes the termination codon. This deletion extends beyond the assayed region for this gene and therefore may encompass additional genes. While this deletion is not anticipated to lead to nonsense mediated decay, it is expected to alter mRNA translation or result in a truncated protein product. This variant has not been reported in the literature in individuals affected with EHMT1-related conditions. This variant disrupts a region of the EHMT1 protein in which other variant(s) (p.Asn1194Thrfs*38) have been determined to be pathogenic (Invitae). This suggests that this is a clinically significant region of the protein, and that variants that disrupt it are likely to be disease-causing. For these reasons, this variant has been classified as Pathogenic.

Labcorp Genetics (formerly Invitae), Labcorp
Classification: Pathogenic. Last evaluated: 2022-06-28. Review status: flagged submission. Criteria: Invitae Variant Classification Sherloc (09022015). Collection method: clinical testing. Allele origin: germline. Not counted in ClinVar's aggregate classification.
Comment: This variant is a gross deletion of the genomic region encompassing exon(s) 1-15 of the CACNA1B gene, which includes the initiator codon. This deletion extends beyond the assayed region for this gene and therefore may encompass additional genes. It is expected to result in an absent or disrupted protein product. Loss-of-function variants in CACNA1B are known to be pathogenic (PMID: 30982612). This variant has not been reported in the literature in individuals affected with CACNA1B-related conditions. For these reasons, this variant has been classified as Pathogenic.
ClinVar note: Reason: This record appears to be redundant with a more recent record from the same submitter.
ClinVar note: Notes: SCV003794313 appears to be redundant with SCV003795565.

Literature cited by the submitters: PubMed 30982612.